The following is an entry in ClinVar:

ClinVar aggregate classification (germline): Uncertain significance (1 of 4 stars; one submission).

Conditions:
Desmin-related myofibrillar myopathy (MFM1). Also called: Desminopathy; Desmin related myopathy (former name); Desmin storage myopathy (former name); MYOFIBRILLAR MYOPATHY WITH ARRHYTHMOGENIC RIGHT VENTRICULAR CARDIOMYOPATHY; DESMIN-RELATED MYOPATHY WITH ARRHYTHMOGENIC RIGHT VENTRICULAR CARDIOMYOPATHY; Myofibrillar myopathy 1. Identifiers: Orphanet 363543, Orphanet 98909, MedGen C1832370, MONDO:0011076, OMIM 601419.

Submission:

Labcorp Genetics (formerly Invitae), Labcorp
Classification: Uncertain significance for Desmin-related myofibrillar myopathy. Last evaluated: 2025-04-30. Review status: criteria provided, single submitter. Criteria: Invitae Variant Classification Sherloc (09022015). Collection method: clinical testing. Allele origin: germline.
Comment: This sequence change replaces threonine, which is neutral and polar, with proline, which is neutral and non-polar, at codon 77 of the DES protein (p.Thr77Pro). This variant is not present in population databases (gnomAD no frequency). This variant has not been reported in the literature in individuals affected with DES-related conditions. Invitae Evidence Modeling of protein sequence and biophysical properties (such as structural, functional, and spatial information, amino acid conservation, physicochemical variation, residue mobility, and thermodynamic stability) indicates that this missense variant is not expected to disrupt DES protein function with a negative predictive value of 80%. In summary, the available evidence is currently insufficient to determine the role of this variant in disease. Therefore, it has been classified as a Variant of Uncertain Significance.

NM_001927.4(DES):c.229A>C (p.Thr77Pro)

Gene: DES (desmin; plus strand). Cytogenetic location: 2q35.
Variant type: single nucleotide variant.
Coding change: c.229A>C on transcript NM_001927.4 (MANE Select); coding-DNA position 229, A replaced by C.
Protein change: p.Thr77Pro; replaces threonine 77 with proline.
Molecular consequence: missense variant.
Genome position (GRCh38, 1-based): chr2:219,418,691, A>C. VCF-style: chr2-219418691-A-C. GRCh37 (hg19) VCF-style: chr2-220283413-A-C.
Other names: c.229A>C, p.Thr77Pro (NM_001382708.1, NM_001382709.1, NM_001382710.1 and 3 more transcripts); short protein forms T77P.
Identifiers: ClinVar variation 4783739 (VCV004783739.1).
Genomic context (GRCh38, chr2:219,418,691, plus strand): 5'-TCGCGCACGTCGGGCGGGGCCGGGGGCCTGGGGTCGCTGCGGGCCAGCCGGCTGGGGACC[A>C]CCCGCACGCCCTCCTCCTACGGCGCAGGCGAGCTGCTGGACTTCTCACTGGCCGACGCGG-3'
Protein context (NP_001918.3, residues 67-87): GSLRASRLGT[Thr77Pro]RTPSSYGAGE